The following is an entry in ClinVar:

ClinVar aggregate classification (germline): Conflicting classifications of pathogenicity. Review status: criteria provided, conflicting classifications (1 of 4 stars). 4 submissions from 3 submitters: Uncertain significance (3); Benign (1). Last evaluated 2023-05-01.

Conditions:
Wolff-Parkinson-White pattern. Also called: Auriculoventricular accessory pathway syndrome; False bundle branch block syndrome; Anomalous ventricular excitation syndrome; WPW SYNDROME. Identifiers: MedGen C0043202, MONDO:0008685, OMIM 194200, HP:0001716.
Hypertrophic cardiomyopathy 6. Identifiers: MedGen C1833236, MONDO:0010946, OMIM 600858.

Allele frequency attached by ClinVar (database versions not stated): 1000 Genomes Project 0.00040; 1000 Genomes Project 30x 0.00062; gnomAD 0.00151 and 0.00160; TOPMed 0.00152.

Submissions (5):

CeGaT Center for Human Genetics Tuebingen
Classification: Benign. Last evaluated: 2023-05-01. Review status: criteria provided, single submitter. Criteria: CeGaT Center For Human Genetics Tuebingen Variant Classification Criteria Version 2. Collection method: clinical testing. Allele origin: germline. Affected: yes. Observed: 1 variant allele.
Comment: PRKAG2: BS1, BS2

Illumina Laboratory Services, Illumina
Classification: Uncertain significance for Hypertrophic cardiomyopathy 6. Last evaluated: 2018-01-12. Review status: criteria provided, single submitter. Criteria: ICSL Variant Classification Criteria 13 December 2019. Collection method: clinical testing. Allele origin: germline.

Illumina Laboratory Services, Illumina
Classification: Uncertain significance for Wolff-Parkinson-White pattern. Last evaluated: 2018-01-12. Review status: criteria provided, single submitter. Criteria: ICSL Variant Classification Criteria 13 December 2019. Collection method: clinical testing. Allele origin: germline.

Breakthrough Genomics
Classification: Uncertain significance. Review status: criteria provided, single submitter. Criteria: ACMG Guidelines, 2015. Collection method: not provided. Allele origin: germline. Inheritance: Autosomal recessive inheritance. Affected: yes.

Dr. Peter K. Rogan Lab, Western University
No classification provided (evidence only). Condition: Cervical cancer. Review status: no classification provided. Collection method: in vitro. Allele origin: not applicable. Functional consequence: retained intron. Not counted in ClinVar's aggregate classification.

NM_016203.4(PRKAG2):c.*614A>T

Gene: PRKAG2 (protein kinase AMP-activated non-catalytic subunit gamma 2; minus strand). Cytogenetic location: 7q36.1.
Variant type: single nucleotide variant.
Coding change: c.*614A>T on transcript NM_016203.4 (MANE Select); 614 bases downstream of the stop codon, A replaced by T.
Molecular consequence: 3 prime UTR variant.
Genome position (GRCh38, 1-based): chr7:151,556,587, T>A on the plus strand (A>T on the coding strand, the complement: PRKAG2 is on the minus strand). VCF-style: chr7-151556587-T-A. GRCh37 (hg19) VCF-style: chr7-151253673-T-A.
Other names: NC_000007.13:g.151253673T>A; c.*614A>T (NM_001040633.2, NM_001304527.2, NM_001304531.2 and 2 more transcripts).
Identifiers: ClinVar variation 359332 (VCV000359332.34), dbSNP rs567058170, ClinGen allele CA10625513.